The following is an entry in ClinVar:

ClinVar aggregate classification (germline): Uncertain significance (1 of 4 stars; one submission).

Submission:

GeneDx
Classification: Uncertain significance. Last evaluated: 2019-08-29. Review status: criteria provided, single submitter. Criteria: GeneDx Variant Classification Process June 2021. Collection method: clinical testing. Allele origin: germline. Affected: yes.
Comment: Not observed in large population cohorts (Lek et al., 2016); In silico analysis, which includes protein predictors and evolutionary conservation, supports a deleterious effect; Has not been previously published as pathogenic or benign to our knowledge

NM_014159.7(SETD2):c.7447G>T (p.Val2483Phe)

Gene: SETD2 (SET domain containing 2, histone lysine methyltransferase; minus strand). Cytogenetic location: 3p21.31.
Variant type: single nucleotide variant.
Coding change: c.7447G>T on transcript NM_014159.7 (MANE Select); coding-DNA position 7447, G replaced by T.
Protein change: p.Val2483Phe; replaces valine 2483 with phenylalanine.
Molecular consequence: missense variant. On other transcripts: non-coding transcript variant (1).
Genome position (GRCh38, 1-based): chr3:47,017,724, C>A on the plus strand (G>T on the coding strand, the complement: SETD2 is on the minus strand). VCF-style: chr3-47017724-C-A. GRCh37 (hg19) VCF-style: chr3-47059214-C-A.
Other names: c.7315G>T, p.Val2439Phe (NM_001349370.3); short protein forms V2439F, V2483F.
Identifiers: ClinVar variation 1308095 (VCV001308095.2), dbSNP rs141852778, ClinGen allele CA352557110.